The following is an entry in ClinVar:

NM_014000.3(VCL):c.527A>G (p.Asp176Gly)

Gene: VCL (vinculin; plus strand). Cytogenetic location: 10q22.2.
Variant type: single nucleotide variant.
Coding change: c.527A>G on transcript NM_014000.3 (MANE Select); coding-DNA position 527, A replaced by G.
Protein change: p.Asp176Gly; replaces aspartic acid 176 with glycine.
Molecular consequence: missense variant.
Genome position (GRCh38, 1-based): chr10:74,072,757, A>G. VCF-style: chr10-74072757-A-G. GRCh37 (hg19) VCF-style: chr10-75832515-A-G.
Other names: c.527A>G, p.Asp176Gly (NM_003373.4); short protein forms D176G.
Identifiers: ClinVar variation 841230 (VCV000841230.13), dbSNP rs573623641, ClinGen allele CA5562795.
Genomic context (GRCh38, chr10:74,072,757, plus strand): 5'-CTCACCCTGCACAATTTCTTCTTTGTGCCCCAGGAATGACTAAGATGGCCAAGATGATTG[A>G]CGAGAGACAGCAGGAGCTCACTCACCAGGAGCACCGAGTGATGTTGGTGAACTCGATGAA-3'
Protein context (NP_054706.1, residues 166-186): PGMTKMAKMI[Asp176Gly]ERQQELTHQE

ClinVar aggregate classification (germline): Uncertain significance. Review status: criteria provided, multiple submitters, no conflicts (2 of 4 stars). 3 submissions from 3 submitters: Uncertain significance (3). Last evaluated 2026-01-19.

Conditions:
Dilated cardiomyopathy 1W (CMD1W). Identifiers: Orphanet 154, MedGen C1969639, MONDO:0012667, OMIM 611407.
Hypertrophic cardiomyopathy 15. Identifiers: MedGen C2750459, MONDO:0013200, OMIM 613255.
Cardiovascular phenotype. Identifiers: MedGen CN230736.

Allele frequency attached by ClinVar (database versions not stated): gnomAD exomes below 0.00001 and 0.00001; ExAC 0.00001; gnomAD 0.00001 and 0.00002; TOPMed 0.00001; 1000 Genomes Project 30x 0.00016; 1000 Genomes Project 0.00020.
gnomAD v4.1: 7 of 1,614,060 alleles (0.00043%); highest among the groups gnomAD compares: African/African-American, 0.0067%; no homozygotes.

Submissions (3):

Labcorp Genetics (formerly Invitae), Labcorp
Classification: Uncertain significance for Dilated cardiomyopathy 1W. Last evaluated: 2026-01-19. Review status: criteria provided, single submitter. Criteria: Invitae Variant Classification Sherloc (09022015). Collection method: clinical testing. Allele origin: germline.
Comment: This sequence change replaces aspartic acid, which is acidic and polar, with glycine, which is neutral and non-polar, at codon 176 of the VCL protein (p.Asp176Gly). This variant is present in population databases (rs573623641, gnomAD 0.008%). This variant has not been reported in the literature in individuals affected with VCL-related conditions. ClinVar contains an entry for this variant (Variation ID: 841230). An algorithm developed to predict the effect of missense changes on protein structure and function (PolyPhen-2) suggests that this variant is likely to be disruptive. In summary, the available evidence is currently insufficient to determine the role of this variant in disease. Therefore, it has been classified as a Variant of Uncertain Significance.

Ambry Genetics
Classification: Uncertain significance for Cardiovascular phenotype. Last evaluated: 2025-03-16. Review status: criteria provided, single submitter. Criteria: Ambry Variant Classification Scheme 2023. Collection method: clinical testing. Allele origin: germline.

Fulgent Genetics
Classification: Uncertain significance for Dilated cardiomyopathy 1W; Hypertrophic cardiomyopathy 15. Last evaluated: 2021-08-19. Review status: criteria provided, single submitter. Criteria: ACMG Guidelines, 2015. Collection method: clinical testing. Allele origin: unknown.